The following is an entry in ClinVar:

NM_001375405.1(CEP120):c.778C>T (p.Arg260Cys)

Gene: CEP120 (centrosomal protein 120; minus strand). Cytogenetic location: 5q23.2.
Variant type: single nucleotide variant.
Coding change: c.778C>T on transcript NM_001375405.1 (MANE Select); coding-DNA position 778, C replaced by T.
Protein change: p.Arg260Cys; replaces arginine 260 with cysteine.
Molecular consequence: missense variant. On other transcripts: non-coding transcript variant (1).
Genome position (GRCh38, 1-based): chr5:123,393,332, G>A on the plus strand (C>T on the coding strand, the complement: CEP120 is on the minus strand). VCF-style: chr5-123393332-G-A. GRCh37 (hg19) VCF-style: chr5-122729026-G-A.
Other names: c.700C>T, p.Arg234Cys (NM_001166226.2); c.778C>T, p.Arg260Cys (NM_001375406.1, NM_001375407.1, NM_153223.4); c.205C>T, p.Arg69Cys (NM_001375408.1, NM_001375409.1); short protein forms R234C, R260C, R69C.
Identifiers: ClinVar variation 3369561 (VCV003369561.1).

ClinVar aggregate classification (germline): Uncertain significance (1 of 4 stars; one submission).

gnomAD v4.1: 15 of 1,614,128 alleles (0.00093%); highest among the groups gnomAD compares: South Asian, 0.0022%; no homozygotes.

Submission:

GeneDx
Classification: Uncertain significance. Last evaluated: 2024-02-26. Review status: criteria provided, single submitter. Criteria: GeneDx Variant Classification Process June 2021. Collection method: clinical testing. Allele origin: germline. Affected: yes.
Comment: Not observed at significant frequency in large population cohorts (gnomAD); In silico analysis supports that this missense variant has a deleterious effect on protein structure/function; Has not been previously published as pathogenic or benign to our knowledge